The following is an entry in ClinVar:

NM_000514.4(GDNF):c.*1406G>A

Gene: GDNF (glial cell derived neurotrophic factor; minus strand). Cytogenetic location: 5p13.2.
Variant type: single nucleotide variant.
Coding change: c.*1406G>A on transcript NM_000514.4 (MANE Select); 1406 bases downstream of the stop codon, G replaced by A.
Molecular consequence: 3 prime UTR variant.
Genome position (GRCh38, 1-based): chr5:37,814,245, C>T on the plus strand (G>A on the coding strand, the complement: GDNF is on the minus strand). VCF-style: chr5-37814245-C-T. GRCh37 (hg19) VCF-style: chr5-37814347-C-T.
Other names: c.*1406G>A (NM_001190468.1, NM_001190469.1, NM_001278098.1 and 1 more transcripts).
Identifiers: ClinVar variation 353499 (VCV000353499.5), dbSNP rs528922361, ClinGen allele CA10624722.

ClinVar aggregate classification (germline): Likely benign (1 of 4 stars; one submission).

Conditions:
Hirschsprung disease, susceptibility to, 3. Identifiers: Orphanet 388, MedGen C3150974, MONDO:0013383, OMIM 613711.

Allele frequency attached by ClinVar (database versions not stated): 1000 Genomes Project 0.00100; 1000 Genomes Project 30x 0.00156; gnomAD 0.00315 and 0.00328; TOPMed 0.00346.

Submission:

Illumina Laboratory Services, Illumina
Classification: Likely benign for Hirschsprung disease, susceptibility to, 3. Last evaluated: 2018-01-12. Review status: criteria provided, single submitter. Criteria: ICSL Variant Classification Criteria 13 December 2019. Collection method: clinical testing. Allele origin: germline.
Comment: This variant was observed in the ICSL laboratory as part of a predisposition screen in an ostensibly healthy population. It had not been previously curated by ICSL or reported in the Human Gene Mutation Database (HGMD: prior to June 1st, 2018), and was therefore a candidate for classification through an automated scoring system. Utilizing variant allele frequency, disease prevalence and penetrance estimates, and inheritance mode, an automated score was calculated to assess if this variant is too frequent to cause the disease. Based on the score and internal cut-off values, a variant classified as likely benign is not then subjected to further curation. The score for this variant resulted in a classification of likely benign for this disease.